The following is an entry in ClinVar:

NM_014391.3(ANKRD1):c.454-230G>A

Gene: ANKRD1 (ankyrin repeat domain 1; minus strand). Cytogenetic location: 10q23.31.
Variant type: single nucleotide variant.
Coding change: c.454-230G>A on transcript NM_014391.3 (MANE Select); 230 bases into the intron before coding-DNA position 454, G replaced by A.
Molecular consequence: intron variant.
Genome position (GRCh38, 1-based): chr10:90,918,060, C>T on the plus strand (G>A on the coding strand, the complement: ANKRD1 is on the minus strand). VCF-style: chr10-90918060-C-T. GRCh37 (hg19) VCF-style: chr10-92677817-C-T.
Identifiers: ClinVar variation 679465 (VCV000679465.1), dbSNP rs78645242, ClinGen allele CA211423586.

ClinVar aggregate classification (germline): Likely benign (1 of 4 stars; one submission).

Allele frequency attached by ClinVar (database versions not stated): gnomAD 0.01236 and 0.01336; 1000 Genomes Project 0.01278; 1000 Genomes Project 30x 0.01421; TOPMed 0.01481.
gnomAD v4.1: 1,863 of 152,306 alleles (1.2%); highest among the groups gnomAD compares: African/African-American, 4.1%; 43 homozygotes.

Submission:

GeneDx
Classification: Likely benign. Last evaluated: 2018-06-16. Review status: criteria provided, single submitter. Criteria: GeneDx Variant Classification (06012015). Collection method: clinical testing. Allele origin: germline. Affected: yes.
Comment: This variant is considered likely benign or benign based on one or more of the following criteria: it is a conservative change, it occurs at a poorly conserved position in the protein, it is predicted to be benign by multiple in silico algorithms, and/or has population frequency not consistent with disease.